The following is an entry in ClinVar:

NM_033004.4(NLRP1):c.3550A>G (p.Met1184Val)

Gene: NLRP1 (NLR family pyrin domain containing 1; minus strand). Cytogenetic location: 17p13.2.
Variant type: single nucleotide variant.
Coding change: c.3550A>G on transcript NM_033004.4 (MANE Select); coding-DNA position 3550, A replaced by G.
Protein change: p.Met1184Val; replaces methionine 1184 with valine.
Molecular consequence: missense variant.
Genome position (GRCh38, 1-based): chr17:5,521,757, T>C on the plus strand (A>G on the coding strand, the complement: NLRP1 is on the minus strand). VCF-style: chr17-5521757-T-C. GRCh37 (hg19) VCF-style: chr17-5425077-T-C.
Other names: c.3562A>G, p.Met1188Val (NM_001033053.3); c.3550A>G, p.Met1184Val (NM_014922.5); c.3460A>G, p.Met1154Val (NM_033006.4, NM_033007.4); short protein forms M1184V, M1188V, M1154V.
Identifiers: ClinVar variation 403240 (VCV000403240.20), dbSNP rs11651270, ClinGen allele CA8326789.
Genomic context (GRCh38, chr17:5,521,757, plus strand): 5'-GATGCAGCTCCACCCTGGCTGGCTTCTCCAGGAGCATCCCCTCCTCTTTAAAGTGGGCCA[T>C]TTGGAACAGGGATGTGTCCACATGGCCCCCTGTAAAAGAATGGATTGAAGAGGCACAGGT-3'
Protein context (NP_127497.1, residues 1174-1194): GGHVDTSLFQ[Met1184Val]AHFKEEGMLL

ClinVar aggregate classification (germline): Benign/Likely benign. Review status: criteria provided, multiple submitters, no conflicts (2 of 4 stars). 10 submissions from 8 submitters: Benign (8); Likely benign (2). Last evaluated 2026-02-04.

Conditions:
Respiratory papillomatosis, juvenile recurrent, congenital. Identifiers: MedGen C5394112, MONDO:0032925, OMIM 618803.
Autoinflammation with arthritis and dyskeratosis (AIADK). Identifiers: MedGen C4479278, MONDO:0060457, OMIM 617388.
Corneal intraepithelial dyskeratosis-palmoplantar hyperkeratosis-laryngeal dyskeratosis syndrome. Also called: Palmoplantar carcinoma, multiple self-healing. Identifiers: Orphanet 352662, MedGen C3808876, MONDO:0014089, OMIM 615225.

Allele frequency attached by ClinVar (database versions not stated): 1000 Genomes Project 0.41793; 1000 Genomes Project 30x 0.42536; gnomAD exomes 0.44920 and 0.45517; ExAC 0.45485; TOPMed 0.46924; gnomAD 0.47015 and 0.47552; ESP Exome Variant Server 0.48262.

Submissions (10):

Labcorp Genetics (formerly Invitae), Labcorp
Classification: Benign. Last evaluated: 2026-02-04. Review status: criteria provided, single submitter. Criteria: Invitae Variant Classification Sherloc (09022015). Collection method: clinical testing. Allele origin: germline.

Women's Health and Genetics/Laboratory Corporation of America, LabCorp
Classification: Likely benign. Last evaluated: 2026-01-21. Review status: criteria provided, single submitter. Criteria: LabCorp Variant Classification Summary - May 2015. Collection method: clinical testing. Allele origin: germline.

Blueprint Genetics
Classification: Likely benign. Last evaluated: 2024-11-28. Review status: criteria provided, single submitter. Criteria: ACMG Guidelines, 2015. Collection method: clinical testing. Allele origin: germline.

Unidad de Genómica Garrahan, Hospital de Pediatría Garrahan
Classification: Benign. Last evaluated: 2023-11-14. Review status: criteria provided, single submitter. Criteria: ACMG Guidelines, 2015. Collection method: clinical testing. Allele origin: germline. Affected: no. Observed: 61 variant alleles.
Comment: This variant is classified as Benign based on local population frequency. This variant was detected in 64% of patients studied by a panel of primary immunodeficiencies. Number of patients: 61. Only high quality variants are reported.

Mayo Clinic Laboratories, Mayo Clinic
Classification: Benign. Last evaluated: 2023-08-10. Review status: criteria provided, single submitter. Criteria: ACMG Guidelines, 2015. Collection method: clinical testing. Allele origin: germline. Observed: 299 variant alleles.
Comment: BA1, BS2, BP4

Genome-Nilou Lab
Classification: Benign for Respiratory papillomatosis, juvenile recurrent, congenital. Last evaluated: 2021-09-05. Review status: criteria provided, single submitter. Criteria: ACMG Guidelines, 2015. Collection method: clinical testing. Allele origin: germline. Affected: no.

Genome-Nilou Lab
Classification: Benign for Autoinflammation with arthritis and dyskeratosis. Last evaluated: 2021-09-05. Review status: criteria provided, single submitter. Criteria: ACMG Guidelines, 2015. Collection method: clinical testing. Allele origin: germline. Affected: no.

Genome-Nilou Lab
Classification: Benign for Corneal intraepithelial dyskeratosis-palmoplantar hyperkeratosis-laryngeal dyskeratosis syndrome. Last evaluated: 2021-09-05. Review status: criteria provided, single submitter. Criteria: ACMG Guidelines, 2015. Collection method: clinical testing. Allele origin: germline. Affected: no.

Laboratory for Molecular Medicine, Mass General Brigham Personalized Medicine
Classification: Benign. Last evaluated: 2016-03-29. Review status: criteria provided, single submitter. Criteria: LMM Criteria. Collection method: clinical testing. Allele origin: germline.
Comment: Variant identified in a genome or exome case(s) and assessed due to predicted null impact of the variant or pathogenic assertions in the literature or databases. Disclaimer: This variant has not undergone full assessment. The following are preliminary notes: Frequency

Breakthrough Genomics
Classification: Benign. Review status: criteria provided, single submitter. Criteria: ACMG Guidelines, 2015. Collection method: not provided. Allele origin: germline. Inheritance: Autosomal recessive inheritance. Affected: yes.

Literature cited by the submitters: PubMed 22665479 (cited by Mayo Clinic Laboratories, Mayo Clinic); PubMed 23382179 (cited by Mayo Clinic Laboratories, Mayo Clinic); PubMed 33378691 (cited by Mayo Clinic Laboratories, Mayo Clinic).